The following is an entry in ClinVar:

ClinVar aggregate classification (germline): Likely pathogenic. Review status: criteria provided, multiple submitters, no conflicts (2 of 4 stars). 2 submissions from 2 submitters: Likely pathogenic (2). Last evaluated 2026-07-13.

Conditions:
Cardiovascular phenotype. Identifiers: MedGen CN230736.
Myofibrillar myopathy 5. Also called: Filaminopathy (type); FILAMINOPATHY, AUTOSOMAL DOMINANT. Identifiers: Orphanet 171445, MedGen C1836050, MONDO:0012289, OMIM 609524.
Hypertrophic cardiomyopathy 26. Also called: Cardiomyopathy, familial hypertrophic, 26. Identifiers: Orphanet 75249, MedGen C4310749, MONDO:0014883, OMIM 617047.
Distal myopathy with posterior leg and anterior hand involvement. Also called: WILLIAMS DISTAL MYOPATHY. Identifiers: Orphanet 63273, MedGen C3279722, MONDO:0013550, OMIM 614065.

Submissions (2):

Ambry Genetics
Classification: Likely pathogenic for Cardiovascular phenotype. Last evaluated: 2026-07-13. Review status: criteria provided, single submitter. Criteria: Ambry Variant Classification Scheme 2023. Collection method: clinical testing. Allele origin: germline.
Comment: The c.4288+2T>G intronic variant results from a T to G substitution two nucleotides after coding exon 24 in the FLNC gene. This variant was reported in individual(s) with features consistent with dilated cardiomyopathy (Escobar-Lopez L et al. J Am Coll Cardiol, 2021 Oct;78:1682-1699; Ambry internal data). This variant is considered to be rare based on population cohorts in the Genome Aggregation Database (gnomAD). This nucleotide position is highly conserved in available vertebrate species. In silico splice site analysis predicts that this alteration will weaken the native splice donor site. Variants that disrupt the canonical splice site are expected to cause aberrant splicing, resulting in an abnormal protein or a transcript that is subject to nonsense-mediated mRNA decay. As such, this variant is classified as likely pathogenic for FLNC-related dilated cardiomyopathy; however, its clinical significance for FLNC-related hypertrophic/restrictive cardiomyopathy and/or skeletal myopathy is uncertain.

Labcorp Genetics (formerly Invitae), Labcorp
Classification: Likely pathogenic for Distal myopathy with posterior leg and anterior hand involvement; Myofibrillar myopathy 5; Hypertrophic cardiomyopathy 26. Last evaluated: 2022-12-05. Review status: criteria provided, single submitter. Criteria: Invitae Variant Classification Sherloc (09022015). Collection method: clinical testing. Allele origin: germline.
Comment: In summary, the currently available evidence indicates that the variant is pathogenic, but additional data are needed to prove that conclusively. Therefore, this variant has been classified as Likely Pathogenic. Algorithms developed to predict the effect of sequence changes on RNA splicing suggest that this variant may disrupt the consensus splice site. Disruption of this splice site has been observed in individual(s) with FLNC-related conditions (PMID: 31627847). This variant is not present in population databases (gnomAD no frequency). This sequence change affects a donor splice site in intron 24 of the FLNC gene. It is expected to disrupt RNA splicing. Variants that disrupt the donor or acceptor splice site typically lead to a loss of protein function (PMID: 16199547), and loss-of-function variants in FLNC are known to be pathogenic (PMID: 27908349).

Literature cited by the submitters: PubMed 31627847 (cited by Ambry Genetics and Labcorp Genetics (formerly Invitae), Labcorp); PubMed 34674813 (cited by Ambry Genetics); PubMed 16199547 (cited by Labcorp Genetics (formerly Invitae), Labcorp); PubMed 27908349 (cited by Labcorp Genetics (formerly Invitae), Labcorp).

NM_001458.5(FLNC):c.4288+2T>G

Gene: FLNC (filamin C; plus strand). Cytogenetic location: 7q32.1.
Variant type: single nucleotide variant.
Coding change: c.4288+2T>G on transcript NM_001458.5 (MANE Select); the canonical splice donor site of the intron after coding-DNA position 4288, T replaced by G.
Molecular consequence: splice donor variant.
Genome position (GRCh38, 1-based): chr7:128,846,907, T>G. VCF-style: chr7-128846907-T-G. GRCh37 (hg19) VCF-style: chr7-128486961-T-G.
Other names: c.4288+2T>G (NM_001458.4, NM_001127487.2).
Identifiers: ClinVar variation 2935937 (VCV002935937.4), dbSNP rs2536643898, ClinGen allele CA369201012.